The following is an entry in ClinVar:

ClinVar aggregate classification (germline): Conflicting classifications of pathogenicity. Review status: criteria provided, conflicting classifications (1 of 4 stars). 7 submissions from 6 submitters: Uncertain significance (6); Benign (1). Last evaluated 2026-08-06.

Conditions:
Monogenic short statue.
Hereditary cancer-predisposing syndrome. Also called: Hereditary neoplastic syndrome; Tumor predisposition; Hereditary Cancer Syndrome; Neoplastic Syndromes, Hereditary. Identifiers: Orphanet 140162, MedGen C0027672, MeSH D009386, MONDO:0015356.
Ovarian cancer. Also called: OVARIAN CANCER, SOMATIC. Identifiers: Orphanet 213500, MedGen C1140680, MONDO:0008170, OMIM 167000.
Baller-Gerold syndrome (BGS). Also called: CRANIOSYNOSTOSIS WITH RADIAL DEFECTS. Identifiers: Orphanet 1225, MedGen C0265308, MONDO:0009039, OMIM 218600.
Rothmund-Thomson syndrome type 2 (RTS2). Identifiers: Orphanet 221016, MedGen C5203410, MONDO:0016369, OMIM 268400.

Allele frequency attached by ClinVar (database versions not stated): ESP Exome Variant Server 0.00016; TOPMed 0.00006; gnomAD exomes 0.00011 and 0.00013; ExAC 0.00012; gnomAD 0.00005.

Submissions (7):

NHS Central & South Genomic Laboratory Hub
Classification: Uncertain significance for Monogenic short statue. Last evaluated: 2026-08-06. Review status: criteria provided, single submitter. Criteria: ACMG Guidelines, 2015. Collection method: clinical testing. Allele origin: germline. Affected: yes.

Labcorp Genetics (formerly Invitae), Labcorp
Classification: Uncertain significance for Baller-Gerold syndrome. Last evaluated: 2026-02-03. Review status: criteria provided, single submitter. Criteria: Invitae Variant Classification Sherloc (09022015). Collection method: clinical testing. Allele origin: germline.
Comment: This sequence change replaces proline, which is neutral and non-polar, with leucine, which is neutral and non-polar, at codon 1116 of the RECQL4 protein (p.Pro1116Leu). The frequency data for this variant in the population databases is considered unreliable, as metrics indicate poor data quality at this position in the gnomAD database. This variant has not been reported in the literature in individuals affected with RECQL4-related conditions. ClinVar contains an entry for this variant (Variation ID: 406997). Invitae Evidence Modeling of protein sequence and biophysical properties (such as structural, functional, and spatial information, amino acid conservation, physicochemical variation, residue mobility, and thermodynamic stability) indicates that this missense variant is not expected to disrupt RECQL4 protein function with a negative predictive value of 80%. In summary, the available evidence is currently insufficient to determine the role of this variant in disease. Therefore, it has been classified as a Variant of Uncertain Significance.

Dasa
Classification: Uncertain significance. Last evaluated: 2025-05-15. Review status: criteria provided, single submitter. Criteria: DASA Assertion Criteria. Collection method: clinical testing. Allele origin: germline.
Comment: NM_004260.4(RECQL4):c.3347C>T (p.Pro1116Leu) is a missense variant that results in the substitution of proline with leucine. This variant is rare in population databases. The currently available literature and clinical evidence are not sufficient to establish a definitive association between this variant and the reported condition. Therefore, this variant is classified as a variant of uncertain significance.

Baylor Genetics
Classification: Uncertain significance for Baller-Gerold syndrome. Last evaluated: 2023-10-26. Review status: criteria provided, single submitter. Criteria: ACMG Guidelines, 2015. Collection method: clinical testing. Allele origin: unknown.

Laboratory of Molecular Epidemiology of Birth Defects, West China Second University Hospital, Sichuan University
Classification: Benign for Ovarian cancer. Last evaluated: 2022-01-01. Review status: criteria provided, single submitter. Criteria: ACMG Guidelines, 2015. Collection method: clinical testing. Allele origin: germline. Affected: yes.

Sema4
Classification: Uncertain significance for Hereditary cancer-predisposing syndrome. Last evaluated: 2021-08-03. Review status: criteria provided, single submitter. Criteria: Sema4 Curation Guidelines. Collection method: curation. Allele origin: germline.
Comment: The RECQL4 c.3347C>T (p.P1116L) variant has not been reported in the literature to our knowledge. This variant was observed in 23/126726 chromosomes in the Non-Finnish European population, with no homozygotes, according to the Genome Aggregation Database (PMID: 32461654). This variant has been reported in ClinVar (Variation ID: 406997). Functional studies have not been performed, and in silico predictions of the variant's effect on protein function are inconclusive. The evidence is insufficient to meet ACMG/AMP criteria for classifying the variant as benign or pathogenic. Thus, the clinical significance of this variant is currently uncertain.

Baylor Genetics
Classification: Uncertain significance for Rothmund-Thomson syndrome type 2. Last evaluated: 2019-07-17. Review status: criteria provided, single submitter. Criteria: ACMG Guidelines, 2015. Collection method: clinical testing. Allele origin: unknown. Affected: yes. Study: CSER-TexasKidsCanSeq.
Comment: This variant was determined to be of uncertain significance according to ACMG Guidelines, 2015 [PMID:25741868].

NM_004260.4(RECQL4):c.3347C>T (p.Pro1116Leu)

Gene: RECQL4 (RecQ like helicase 4; minus strand). Cytogenetic location: 8q24.3.
Variant type: single nucleotide variant.
Coding change: c.3347C>T on transcript NM_004260.4 (MANE Select); coding-DNA position 3347, C replaced by T.
Protein change: p.Pro1116Leu; replaces proline 1116 with leucine.
Molecular consequence: missense variant.
Genome position (GRCh38, 1-based): chr8:144,511,957, G>A on the plus strand (C>T on the coding strand, the complement: RECQL4 is on the minus strand). VCF-style: chr8-144511957-G-A. GRCh37 (hg19) VCF-style: chr8-145737340-G-A.
Other names: short protein forms P1116L.
Identifiers: ClinVar variation 406997 (VCV000406997.15), dbSNP rs368671582, ClinGen allele CA4947810.